The following is an entry in ClinVar:

ClinVar aggregate classification (germline): Pathogenic (1 of 4 stars; one submission).

Conditions:
Andersen Tawil syndrome (LQT7). Also called: Andersen Syndrome; ANDERSEN CARDIODYSRHYTHMIC PERIODIC PARALYSIS; PERIODIC PARALYSIS, POTASSIUM-SENSITIVE CARDIODYSRHYTHMIC TYPE; Potassium-sensitive periodic paralysis, ventricular ectopy, and dysmorphic features; LONG QT SYNDROME 7. Identifiers: Orphanet 37553, MedGen C1563715, MONDO:0008222, OMIM 170390.
Short QT syndrome type 3. Identifiers: Orphanet 51083, MedGen C1865018, MONDO:0012314, OMIM 609622.

Submission:

Labcorp Genetics (formerly Invitae), Labcorp
Classification: Pathogenic for Short QT syndrome type 3; Andersen Tawil syndrome. Last evaluated: 2019-09-08. Review status: criteria provided, single submitter. Criteria: Invitae Variant Classification Sherloc (09022015). Collection method: clinical testing. Allele origin: germline.
Comment: This variant has not been reported in the literature in individuals with KCNJ2-related conditions. This variant disrupts the C-terminus of the KCNJ2 protein. Other variant(s) that disrupt this region (p.Leu368Serfs*39) have been determined to be pathogenic (Invitae). This suggests that variants that disrupt this region of the protein are likely to be causative of disease. For these reasons, this variant has been classified as Pathogenic. This sequence change results in a premature translational stop signal in the KCNJ2 gene (p.Glu241Serfs*8). While this is not anticipated to result in nonsense mediated decay, it is expected to disrupt the last 187 amino acids of the KCNJ2 protein. This variant is not present in population databases (ExAC no frequency).

NM_000891.3(KCNJ2):c.721del (p.Glu241fs)

Gene: KCNJ2 (potassium inwardly rectifying channel subfamily J member 2; plus strand). Cytogenetic location: 17q24.3.
Variant type: Deletion.
Coding change: c.721del on transcript NM_000891.3 (MANE Select); coding-DNA position 721, one base deleted (G; older notation c.721delG).
Protein change: p.Glu241fs; shifts the reading frame from glutamic acid 241.
Molecular consequence: frameshift variant.
Genome position (GRCh38, 1-based): chr17:70,175,760, G deleted; the last of 4 consecutive G bases (chr17:70,175,757-70,175,760); deleting any one gives the same sequence. VCF-style (leftmost placement, unchanged base first): chr17-70175756-AG-A. GRCh37 (hg19) VCF-style: chr17-68171897-AG-A.
Other names: short protein forms E241fs.
Identifiers: ClinVar variation 960380 (VCV000960380.9), dbSNP rs2074388917, ClinGen allele CA1139665861.
Genomic context (GRCh38, chr17:70,175,756, plus strand): 5'-AAGCCACTTGGTGGAAGCTCATGTTCGAGCACAGCTCCTCAAATCCAGAATTACTTCTGA[AG>A]GGGAGTATATCCCTCTGGATCAAATAGACATCAATGTTGGGTTTGACAGTGGAATCGATC-3'